The following is an entry in ClinVar:

NM_001044.5(SLC6A3):c.1084T>C (p.Phe362Leu)

Gene: SLC6A3 (solute carrier family 6 member 3). Cytogenetic location: 5p15.33.
Variant type: single nucleotide variant.
Coding change: c.1084T>C on transcript NM_001044.5 (MANE Select); coding-DNA position 1084, T replaced by C.
Protein change: p.Phe362Leu; replaces phenylalanine 362 with leucine.
Molecular consequence: missense variant.
Genome position (GRCh38, 1-based): chr5:1,414,763, A>G on the plus strand (T>C on the coding strand, the complement: SLC6A3 is on the minus strand). VCF-style: chr5-1414763-A-G. GRCh37 (hg19) VCF-style: chr5-1414878-A-G.
Other names: short protein forms F362L.
Identifiers: ClinVar variation 2155693 (VCV002155693.4), dbSNP rs1756239605, ClinGen allele CA359083194.

ClinVar aggregate classification (germline): Uncertain significance (1 of 4 stars; one submission).

Conditions:
Parkinsonism-dystonia, infantile. Identifiers: Orphanet 238455, MedGen C2751067, MONDO:0013150.

Submission:

Labcorp Genetics (formerly Invitae), Labcorp
Classification: Uncertain significance for Parkinsonism-dystonia, infantile. Last evaluated: 2022-01-19. Review status: criteria provided, single submitter. Criteria: Invitae Variant Classification Sherloc (09022015). Collection method: clinical testing. Allele origin: germline.
Comment: This sequence change replaces phenylalanine, which is neutral and non-polar, with leucine, which is neutral and non-polar, at codon 362 of the SLC6A3 protein (p.Phe362Leu). This variant is not present in population databases (gnomAD no frequency). This variant has not been reported in the literature in individuals affected with SLC6A3-related conditions. Algorithms developed to predict the effect of missense changes on protein structure and function are either unavailable or do not agree on the potential impact of this missense change (SIFT: "Deleterious"; PolyPhen-2: "Possibly Damaging"; Align-GVGD: "Class C15"). In summary, the available evidence is currently insufficient to determine the role of this variant in disease. Therefore, it has been classified as a Variant of Uncertain Significance.